The following is an entry in ClinVar:

NM_001365276.2(TNXB):c.11925+2T>A

Genes: TNXB (tenascin XB; minus strand), LOC106780803 (tenascin XB recombination region; plus strand). Cytogenetic location: 6p21.33.
Variant type: single nucleotide variant.
Coding change: c.11925+2T>A on transcript NM_001365276.2 (MANE Select); the canonical splice donor site of the intron after coding-DNA position 11925, T replaced by A.
Molecular consequence: splice donor variant.
Genome position (GRCh38, 1-based): chr6:32,042,949, A>T on the plus strand (T>A on the coding strand, the complement: TNXB is on the minus strand). VCF-style: chr6-32042949-A-T. GRCh37 (hg19) VCF-style: chr6-32010726-A-T.
Other names: c.11919+2T>A (NM_019105.8); c.1212+2T>A (NM_032470.4).
Identifiers: ClinVar variation 2573595 (VCV002573595.1), dbSNP rs2483364598, ClinGen allele CA363521154.

ClinVar aggregate classification (germline): Likely pathogenic (1 of 4 stars; one submission).

Conditions:
Ehlers-Danlos syndrome due to tenascin-X deficiency (EDSCLL1). Also called: EHLERS-DANLOS SYNDROME, CLASSIC-LIKE; Ehlers-Danlos syndrome, classic-like, 1; EDS DUE TO TNX DEFICIENCY; TNX DEFICIENCY; TNXB-Related Classical-Like Ehlers-Danlos Syndrome. Identifiers: Orphanet 230839, MedGen C1848029, MONDO:0011670, OMIM 606408.

Submission:

Women's Health and Genetics/Laboratory Corporation of America, LabCorp
Classification: Likely pathogenic for Ehlers-Danlos syndrome due to tenascin-X deficiency. Last evaluated: 2023-06-06. Review status: criteria provided, single submitter. Criteria: LabCorp Variant Classification Summary - May 2015. Collection method: clinical testing. Allele origin: germline.
Comment: Variant summary: TNXB c.11919+2T>A is located in a canonical splice-site and is predicted to affect mRNA splicing resulting in a significantly altered protein due to either exon skipping, shortening, or inclusion of intronic material. Several computational tools predict a significant impact on normal splicing: Three predict the variant abolishes a 5' splicing donor site. However, these predictions have yet to be confirmed by functional studies. The variant was absent in 53398 control chromosomes. To our knowledge, no occurrence of c.11919+2T>A in individuals affected with Ehlers-Danlos-like syndrome and no experimental evidence demonstrating its impact on protein function have been reported. No clinical diagnostic laboratories have submitted clinical-significance assessments for this variant to ClinVar after 2014. Based on the evidence outlined above, the variant was classified as likely pathogenic.